The following is an entry in ClinVar:

ClinVar aggregate classification (germline): Conflicting classifications of pathogenicity. Review status: criteria provided, conflicting classifications (1 of 4 stars). 4 submissions from 4 submitters: Uncertain significance (1); Likely benign (3). Last evaluated 2025-03-31.

Conditions:
Arrhythmogenic right ventricular cardiomyopathy (ARVD). Also called: Arrhythmogenic cardiomyopathy; Cardiomyopathy, ARVC; Arrhythmogenic right ventricular dysplasia; Arrhythmogenic Right Ventricular Cardiomyopathy (ARVC). Identifiers: Orphanet 247, MedGen C0349788, MeSH D019571, MONDO:0016587. Disease mechanism: loss of function. Inheritance: Various modes of inheritance.
Cardiovascular phenotype. Identifiers: MedGen CN230736.
Atrial septal defect 3 (ASD3). Identifiers: Orphanet 1478, MedGen C3279790, MONDO:0013567, OMIM 614089.
Hypertrophic cardiomyopathy 14. Identifiers: MedGen C2750467, MONDO:0013197, OMIM 613251.

Allele frequency attached by ClinVar (database versions not stated): ExAC 0.00001; gnomAD exomes 0.00172.

Submissions (4):

Labcorp Genetics (formerly Invitae), Labcorp
Classification: Uncertain significance for Hypertrophic cardiomyopathy 14. Last evaluated: 2025-03-31. Review status: criteria provided, single submitter. Criteria: Invitae Variant Classification Sherloc (09022015). Collection method: clinical testing. Allele origin: germline.
Comment: This sequence change affects an acceptor splice site in intron 28 of the MYH6 gene. It is expected to disrupt RNA splicing. Variants that disrupt the donor or acceptor splice site typically lead to a loss of protein function (PMID: 16199547), however the current clinical and genetic evidence is not sufficient to establish whether loss-of-function variants in MYH6 cause disease. The frequency data for this variant in the population databases is considered unreliable, as metrics indicate poor data quality at this position in the gnomAD database. Disruption of this splice site has been observed in individual(s) with MYH6-related conditions (PMID: 28991257, 34495297). ClinVar contains an entry for this variant (Variation ID: 691732). Algorithms developed to predict the effect of sequence changes on RNA splicing suggest that this variant may disrupt the consensus splice site. In summary, the available evidence is currently insufficient to determine the role of this variant in disease. Therefore, it has been classified as a Variant of Uncertain Significance.

Molecular Genetics, Royal Melbourne Hospital
Classification: Likely benign for Atrial septal defect 3. Last evaluated: 2023-09-04. Review status: criteria provided, single submitter. Criteria: ACMG Guidelines, 2015. Collection method: clinical testing. Allele origin: germline. Inheritance: Autosomal dominant inheritance.

Ambry Genetics
Classification: Likely benign for Cardiovascular phenotype. Last evaluated: 2019-12-20. Review status: criteria provided, single submitter. Criteria: Ambry Variant Classification Scheme 2023. Collection method: clinical testing. Allele origin: germline.

Center for Advanced Laboratory Medicine, UC San Diego Health, University of California San Diego
Classification: Likely benign for Arrhythmogenic right ventricular cardiomyopathy. Last evaluated: 2019-04-09. Review status: criteria provided, single submitter. Criteria: ACMG Guidelines, 2015. Collection method: clinical testing. Allele origin: germline. Affected: yes. Observed: 1 variant allele.

Literature cited by the submitters: PubMed 16199547 (cited by Labcorp Genetics (formerly Invitae), Labcorp); PubMed 28991257 (cited by Labcorp Genetics (formerly Invitae), Labcorp and Ambry Genetics); PubMed 34495297 (cited by Labcorp Genetics (formerly Invitae), Labcorp); PubMed 29132927 (cited by Ambry Genetics).

NM_002471.4(MYH6):c.3979-2A>C

Gene: MYH6 (myosin heavy chain 6; minus strand). Cytogenetic location: 14q11.2.
Variant type: single nucleotide variant.
Coding change: c.3979-2A>C on transcript NM_002471.4 (MANE Select); the canonical splice acceptor site of the intron before coding-DNA position 3979, A replaced by C.
Molecular consequence: splice acceptor variant.
Genome position (GRCh38, 1-based): chr14:23,389,057, T>G on the plus strand (A>C on the coding strand, the complement: MYH6 is on the minus strand). VCF-style: chr14-23389057-T-G. GRCh37 (hg19) VCF-style: chr14-23858266-T-G.
Identifiers: ClinVar variation 691732 (VCV000691732.12), dbSNP rs1158854454, ClinGen allele CA7114960.